The following is an entry in ClinVar:

NM_000035.4(ALDOB):c.341C>T (p.Ala114Val)

Gene: ALDOB (aldolase, fructose-bisphosphate B; minus strand). Cytogenetic location: 9q31.1.
Variant type: single nucleotide variant.
Coding change: c.341C>T on transcript NM_000035.4 (MANE Select); coding-DNA position 341, C replaced by T.
Protein change: p.Ala114Val; replaces alanine 114 with valine.
Molecular consequence: missense variant.
Genome position (GRCh38, 1-based): chr9:101,428,507, G>A on the plus strand (C>T on the coding strand, the complement: ALDOB is on the minus strand). VCF-style: chr9-101428507-G-A. GRCh37 (hg19) VCF-style: chr9-104190789-G-A.
Other names: c.341C>T (NM_000035.3); short protein forms A114V.
Identifiers: ClinVar variation 2154662 (VCV002154662.3), dbSNP rs201694645, ClinGen allele CA5161650.
Genomic context (GRCh38, chr9:101,428,507, plus strand): 5'-TCTCAGTGGGCAATATCCTTACCTTGAATGGTGGTTTCTTTGTTTGTTCCTGCAAGAGGA[G>A]CACCTCCTTGGTCTAACTGTGGATACAAATAATTAACAGGTGTCAGATGTCAGGAAAACA-3'
Protein context (NP_000026.2, residues 104-124): VVGIKLDQGG[Ala114Val]PLAGTNKETT

ClinVar aggregate classification (germline): Uncertain significance. Review status: criteria provided, multiple submitters, no conflicts (2 of 4 stars). 2 submissions from 2 submitters: Uncertain significance (2). Last evaluated 2025-08-21.

Conditions:
Inborn genetic diseases. Identifiers: MedGen C0950123, MeSH D030342.
Hereditary fructosuria. Also called: ALDOB DEFICIENCY; ALDOLASE B DEFICIENCY; FRUCTOSE-1,6-BISPHOSPHATE ALDOLASE B DEFICIENCY; FRUCTOSE-1-PHOSPHATE ALDOLASE DEFICIENCY; FRUCTOSEMIA; Hereditary fructose intolerance. Identifiers: Orphanet 469, MedGen C0016751, MONDO:0009249, OMIM 229600, HP:0005973. Disease mechanism: loss of function.

Allele frequency attached by ClinVar (database versions not stated): gnomAD exomes 0.00001; ExAC 0.00003; ESP Exome Variant Server 0.00015; gnomAD 0.00015; TOPMed 0.00017; 1000 Genomes Project 30x 0.00031; 1000 Genomes Project 0.00040.
gnomAD v4.1: 52 of 1,613,930 alleles (0.0032%); highest among the groups gnomAD compares: African/African-American, 0.044%; no homozygotes.

Submissions (2):

Labcorp Genetics (formerly Invitae), Labcorp
Classification: Uncertain significance for Hereditary fructosuria. Last evaluated: 2025-08-21. Review status: criteria provided, single submitter. Criteria: Invitae Variant Classification Sherloc (09022015). Collection method: clinical testing. Allele origin: germline.
Comment: This sequence change replaces alanine, which is neutral and non-polar, with valine, which is neutral and non-polar, at codon 114 of the ALDOB protein (p.Ala114Val). This variant is present in population databases (rs201694645, gnomAD 0.05%). This variant has not been reported in the literature in individuals affected with ALDOB-related conditions. ClinVar contains an entry for this variant (Variation ID: 2154662). An algorithm developed to predict the effect of missense changes on protein structure and function (PolyPhen-2) suggests that this variant is likely to be tolerated. In summary, the available evidence is currently insufficient to determine the role of this variant in disease. Therefore, it has been classified as a Variant of Uncertain Significance.

Ambry Genetics
Classification: Uncertain significance for Inborn genetic diseases. Last evaluated: 2021-04-28. Review status: criteria provided, single submitter. Criteria: Ambry Variant Classification Scheme 2023. Collection method: clinical testing. Allele origin: germline.